The following is an entry in ClinVar:

ClinVar aggregate classification (germline): Conflicting classifications of pathogenicity. Review status: criteria provided, conflicting classifications (1 of 4 stars). 27 submissions from 27 submitters: Uncertain significance (2); Benign (7); Likely benign (11). 7 of the submissions do not count toward it. Last evaluated 2026-08-01.

Conditions:
Colorectal cancer. Also called: Colorectal cancer, somatic; Malignant Colorectal Neoplasm. Identifiers: MedGen C0346629, MONDO:0005575, OMIM 114500.
Hereditary cancer-predisposing syndrome. Also called: Neoplastic Syndromes, Hereditary; Tumor predisposition; Hereditary Cancer Syndrome; Hereditary neoplastic syndrome. Identifiers: Orphanet 140162, MedGen C0027672, MeSH D009386, MONDO:0015356.
Carcinoma of colon (CRC). Also called: Colonic carcinoma; Colon carcinoma. Identifiers: MedGen C0699790, MONDO:0002032.
Colorectal cancer, susceptibility to, 12 (CRCS12). Also called: COLORECTAL CANCER, SUSCEPTIBILITY TO, ON CHROMOSOME 12q24. Identifiers: Orphanet 220460, MedGen C3554460, MONDO:0014038, OMIM 615083.

Allele frequency attached by ClinVar (database versions not stated): ESP Exome Variant Server 0.00161; 1000 Genomes Project 30x 0.00172; 1000 Genomes Project 0.00180; ExAC 0.00195; gnomAD 0.00291 and 0.00293; TOPMed 0.00370.
gnomAD v4.1: 7,341 of 1,505,724 alleles (0.49%); highest among the groups gnomAD compares: Non-Finnish European, 0.59%; 27 homozygotes.

Submissions 1 to 23 of 27:

CeGaT Center for Human Genetics Tuebingen
Classification: Likely benign. Last evaluated: 2026-08-01. Review status: criteria provided, single submitter. Criteria: CeGaT Center For Human Genetics Tuebingen Variant Classification Criteria Version 2. Collection method: clinical testing. Allele origin: germline. Affected: yes. Observed: 46 variant alleles.
Comment: POLE: BS2

Labcorp Genetics (formerly Invitae), Labcorp
Classification: Benign. Last evaluated: 2026-02-04. Review status: criteria provided, single submitter. Criteria: Invitae Variant Classification Sherloc (09022015). Collection method: clinical testing. Allele origin: germline.

Laboratorio de I+D, Fundación Centro Médico de Asturias
Classification: Benign for Hereditary cancer-predisposing syndrome. Last evaluated: 2025-07-13. Review status: criteria provided, single submitter. Criteria: ACMG Guidelines, 2015. Collection method: clinical testing. Allele origin: germline.
Comment: BS1+BS2+BP4_Moderate+BP1_Supporting

Center for Genomic Medicine, Rigshospitalet, Copenhagen University Hospital
Classification: Likely benign. Last evaluated: 2025-03-04. Review status: criteria provided, single submitter. Criteria: ACMG Guidelines, 2015. Collection method: clinical testing. Allele origin: germline.

Mayo Clinic Laboratories, Mayo Clinic
Classification: Likely benign. Last evaluated: 2025-02-27. Review status: criteria provided, single submitter. Criteria: ACMG Guidelines, 2015. Collection method: clinical testing. Allele origin: germline. Observed: 5 variant alleles.
Comment: BS1, BP4

Institute for Biomarker Research, Medical Diagnostic Laboratories, L.L.C.
Classification: Benign for Hereditary cancer-predisposing syndrome. Last evaluated: 2025-02-06. Review status: criteria provided, single submitter. Criteria: ACMG Guidelines, 2015. Collection method: clinical testing. Allele origin: germline.
Comment: The missense variant NM_006231.4(POLE):c.16G>C (p.Gly6Arg) has not been reported previously as a pathogenic varian, to our knowledge. There is a moderate physicochemical difference between glycine and arginine. The gene POLE has a low rate of benign missense variation as indicated by a high missense variants Z-Score of 2.65. For these reasons, this variant has been classified as Benign.

Blueprint Genetics
Classification: Likely benign. Last evaluated: 2024-11-27. Review status: criteria provided, single submitter. Criteria: ACMG Guidelines, 2015. Collection method: clinical testing. Allele origin: germline.

ARUP Laboratories, Molecular Genetics and Genomics, ARUP Laboratories
Classification: Likely benign. Last evaluated: 2024-11-04. Review status: criteria provided, single submitter. Criteria: ARUP Molecular Germline Variant Investigation Process 2024. Collection method: clinical testing. Allele origin: germline.

Institute for Clinical Genetics, University Hospital TU Dresden, University Hospital TU Dresden
Classification: Uncertain significance. Last evaluated: 2021-11-03. Review status: criteria provided, single submitter. Criteria: ACMG Guidelines, 2015. Collection method: clinical testing. Allele origin: germline.

Genetic Services Laboratory, University of Chicago
Classification: Likely benign. Last evaluated: 2021-10-15. Review status: criteria provided, single submitter. Criteria: ACMG Guidelines, 2015. Collection method: clinical testing. Allele origin: germline. Affected: no.

Sema4
Classification: Benign for Hereditary cancer-predisposing syndrome. Last evaluated: 2020-07-31. Review status: criteria provided, single submitter. Criteria: Sema4 Curation Guidelines. Collection method: curation. Allele origin: germline.

Genetics and Molecular Pathology, SA Pathology
Classification: Likely benign for Colorectal cancer, susceptibility to, 12. Last evaluated: 2019-12-31. Review status: criteria provided, single submitter. Criteria: ACMG Guidelines, 2015. Collection method: clinical testing. Allele origin: germline. Affected: yes.

Ambry Genetics
Classification: Benign for Hereditary cancer-predisposing syndrome. Last evaluated: 2019-11-06. Review status: criteria provided, single submitter. Criteria: Ambry Variant Classification Scheme 2023. Collection method: clinical testing. Allele origin: germline.

Women's Health and Genetics/Laboratory Corporation of America, LabCorp
Classification: Benign. Last evaluated: 2019-08-05. Review status: criteria provided, single submitter. Criteria: LabCorp Variant Classification Summary - May 2015. Collection method: clinical testing. Allele origin: germline.
Comment: Variant summary: POLE c.16G>C (p.Gly6Arg) results in a non-conservative amino acid change in the encoded protein sequence. Four of five in-silico tools predict a benign effect of the variant on protein function. The variant allele was found at a frequency of 0.0027 in 110214 control chromosomes, predominantly at a frequency of 0.0045 within the Non-Finnish European subpopulation in the gnomAD database, including 1 homozygote. The observed variant frequency within Non-Finnish European control individuals in the gnomAD database is approximately 317 fold of the estimated maximal expected allele frequency for a pathogenic variant in POLE causing Colorectal Cancer phenotype (1.4e-05), strongly suggesting that the variant is a benign polymorphism found primarily in populations of Non-Finnish European origin. c.16G>C has been reported in the literature in individuals affected with Colorectal Cancer (ex Kothari_2016). These report(s) do not provide unequivocal conclusions about association of the variant with Colorectal Cancer. To our knowledge, no experimental evidence demonstrating an impact on protein function has been reported. Ten clinical diagnostic laboratories have submitted clinical-significance assessments for this variant to ClinVar after 2014 without evidence for independent evaluation. Nine of these ten have classified the variant as benign (n=3)/likely benign (n=6). Based on the evidence outlined above, the variant was re-evaluated as benign.

Quest Diagnostics Nichols Institute San Juan Capistrano
Classification: Benign. Last evaluated: 2018-04-17. Review status: criteria provided, single submitter. Criteria: Quest Diagnostics criteria. Collection method: clinical testing. Allele origin: unknown.

GeneDx
Classification: Likely benign. Last evaluated: 2017-12-07. Review status: criteria provided, single submitter. Criteria: GeneDx Variant Classification (06012015). Collection method: clinical testing. Allele origin: germline. Affected: yes.
Comment: This variant is considered likely benign or benign based on one or more of the following criteria: it is a conservative change, it occurs at a poorly conserved position in the protein, it is predicted to be benign by multiple in silico algorithms, and/or has population frequency not consistent with disease.

PreventionGenetics, part of Exact Sciences
Classification: Likely benign. Last evaluated: 2017-02-20. Review status: criteria provided, single submitter. Criteria: ACMG Guidelines, 2015. Collection method: clinical testing. Allele origin: germline.

Center for Pediatric Genomic Medicine, Children's Mercy Hospital and Clinics
Classification: Uncertain significance. Last evaluated: 2016-11-10. Review status: criteria provided, single submitter. Criteria: ACMG Guidelines, 2015. Collection method: clinical testing. Allele origin: germline.
ClinVar note: Converted during submission from Uncertain Significance to Uncertain significance.

CSER _CC_NCGL, University of Washington
Classification: Likely benign for Colorectal cancer. Last evaluated: 2015-11-01. Review status: criteria provided, single submitter. Criteria: Amendola et al. (Genome Res. 2015). Collection method: research. Allele origin: germline. Inheritance: Autosomal dominant inheritance. Study: CSER - NEXT Medicine variant annotation.
Comment: Variant is not in exonuclease domain. .GERP=2.51.ExAC Alt Allele Frequencies=AFR:0.311%,NFE:0.676%,EAS:0.0%,SAS:0.027%,FIN:unknown,AMR:0.0%,OTH:0.0%.

Genomic Diagnostic Laboratory, Division of Genomic Diagnostics, Children's Hospital of Philadelphia
Classification: Likely benign. Last evaluated: 2015-07-22. Review status: criteria provided, single submitter. Criteria: DGD Variant Analysis Guidelines. Collection method: clinical testing. Allele origin: unknown.

True Health Diagnostics
Classification: Likely benign for Hereditary cancer-predisposing syndrome. Last evaluated: 2017-12-01. Review status: no assertion criteria provided. Collection method: clinical testing. Allele origin: germline. Not counted in ClinVar's aggregate classification.

Counsyl
Classification: Likely benign for Colorectal cancer, susceptibility to, 12. Last evaluated: 2016-07-06. Review status: no assertion criteria provided. Collection method: clinical testing. Allele origin: unknown. Not counted in ClinVar's aggregate classification.

Clinical Genetics DNA and cytogenetics Diagnostics Lab, Erasmus MC, Erasmus Medical Center
Classification: Likely benign. Review status: no assertion criteria provided. Collection method: clinical testing. Allele origin: germline. Affected: yes. Study: VKGL Data-share Consensus. Not counted in ClinVar's aggregate classification.

NM_006231.4(POLE):c.16G>C (p.Gly6Arg)

Genes: POLE (DNA polymerase epsilon, catalytic subunit; minus strand), LOC130009266 (ATAC-STARR-seq lymphoblastoid silent region 5123; plus strand). Cytogenetic location: 12q24.33.
Variant type: single nucleotide variant.
Coding change: c.16G>C on transcript NM_006231.4 (MANE Select); coding-DNA position 16, G replaced by C.
Protein change: p.Gly6Arg; replaces glycine 6 with arginine.
Molecular consequence: missense variant.
Genome position (GRCh38, 1-based): chr12:132,687,300, C>G on the plus strand (G>C on the coding strand, the complement: POLE is on the minus strand). VCF-style: chr12-132687300-C-G. GRCh37 (hg19) VCF-style: chr12-133263886-C-G.
Other names: short protein forms G6R.
Identifiers: ClinVar variation 218680 (VCV000218680.87), dbSNP rs202220778, ClinGen allele CA248991.